The following is an entry in ClinVar:

ClinVar aggregate classification (germline): Uncertain significance (1 of 4 stars; one submission).

Conditions:
Immunodeficiency 104. Also called: Severe combined immunodeficiency, autosomal recessive, T cell-negative, B cell-positive, NK cell-positive; IMMUNODEFICIENCY 104, SEVERE COMBINED; SCID, AUTOSOMAL RECESSIVE, T CELL-NEGATIVE, B CELL-POSITIVE, NK CELL-POSITIVE; Severe Combined Immune Deficiency, Autosomal Recessive, TCell -Negative, B Cell-Positive, NK Cell-Positive, IL7R-Related. Identifiers: MedGen C5676890, MONDO:0012163, OMIM 608971.

Allele frequency attached by ClinVar (database versions not stated): gnomAD 0.00001; gnomAD exomes 0.00001.
gnomAD v4.1: 9 of 1,607,000 alleles (0.00056%); highest among the groups gnomAD compares: Non-Finnish European, 0.00077%; no homozygotes.

Submission:

Labcorp Genetics (formerly Invitae), Labcorp
Classification: Uncertain significance for Immunodeficiency 104. Last evaluated: 2022-08-20. Review status: criteria provided, single submitter. Criteria: Invitae Variant Classification Sherloc (09022015). Collection method: clinical testing. Allele origin: germline.
Comment: In summary, the available evidence is currently insufficient to determine the role of this variant in disease. Therefore, it has been classified as a Variant of Uncertain Significance. This sequence change replaces lysine, which is basic and polar, with arginine, which is basic and polar, at codon 933 of the PTPRC protein (p.Lys933Arg). This variant is not present in population databases (gnomAD no frequency). This variant has not been reported in the literature in individuals affected with PTPRC-related conditions. Algorithms developed to predict the effect of missense changes on protein structure and function (SIFT, PolyPhen-2, Align-GVGD) all suggest that this variant is likely to be disruptive.

NM_002838.5(PTPRC):c.2798A>G (p.Lys933Arg)

Gene: PTPRC (protein tyrosine phosphatase receptor type C; plus strand). Cytogenetic location: 1q32.1.
Variant type: single nucleotide variant.
Coding change: c.2798A>G on transcript NM_002838.5 (MANE Select); coding-DNA position 2798, A replaced by G.
Protein change: p.Lys933Arg; replaces lysine 933 with arginine.
Molecular consequence: missense variant.
Genome position (GRCh38, 1-based): chr1:198,744,154, A>G. VCF-style: chr1-198744154-A-G. GRCh37 (hg19) VCF-style: chr1-198713283-A-G.
Other names: c.2315A>G, p.Lys772Arg (NM_080921.4); short protein forms K772R, K933R.
Identifiers: ClinVar variation 1717160 (VCV001717160.6), dbSNP rs1655036478, ClinGen allele CA344051714.